The following is an entry in ClinVar:

NM_004984.4(KIF5A):c.2669A>C (p.Lys890Thr)

Gene: KIF5A (kinesin family member 5A; plus strand). Cytogenetic location: 12q13.3.
Variant type: single nucleotide variant.
Coding change: c.2669A>C on transcript NM_004984.4 (MANE Select); coding-DNA position 2669, A replaced by C.
Protein change: p.Lys890Thr; replaces lysine 890 with threonine.
Molecular consequence: missense variant.
Genome position (GRCh38, 1-based): chr12:57,581,086, A>C. VCF-style: chr12-57581086-A-C. GRCh37 (hg19) VCF-style: chr12-57974869-A-C.
Other names: c.2402A>C, p.Lys801Thr (NM_001354705.2); short protein forms K890T, K801T.
Identifiers: ClinVar variation 3696040 (VCV003696040.2).

ClinVar aggregate classification (germline): Uncertain significance (1 of 4 stars; one submission).

Conditions:
Spastic paraplegia. Identifiers: MedGen C0037772, HP:0001258.

Submission:

Labcorp Genetics (formerly Invitae), Labcorp
Classification: Uncertain significance for Spastic paraplegia. Last evaluated: 2024-08-21. Review status: criteria provided, single submitter. Criteria: Invitae Variant Classification Sherloc (09022015). Collection method: clinical testing. Allele origin: germline.
Comment: This sequence change replaces lysine, which is basic and polar, with threonine, which is neutral and polar, at codon 890 of the KIF5A protein (p.Lys890Thr). This variant is not present in population databases (gnomAD no frequency). This variant has not been reported in the literature in individuals affected with KIF5A-related conditions. Invitae Evidence Modeling of protein sequence and biophysical properties (such as structural, functional, and spatial information, amino acid conservation, physicochemical variation, residue mobility, and thermodynamic stability) indicates that this missense variant is not expected to disrupt KIF5A protein function with a negative predictive value of 95%. In summary, the available evidence is currently insufficient to determine the role of this variant in disease. Therefore, it has been classified as a Variant of Uncertain Significance.